The following is an entry in ClinVar:

NM_015915.5(ATL1):c.1101C>A (p.Tyr367Ter)

Gene: ATL1 (atlastin GTPase 1; plus strand). Cytogenetic location: 14q22.1.
Variant type: single nucleotide variant.
Coding change: c.1101C>A on transcript NM_015915.5 (MANE Select); coding-DNA position 1101, C replaced by A.
Protein change: p.Tyr367Ter; replaces tyrosine 367 with a stop codon.
Molecular consequence: nonsense.
Genome position (GRCh38, 1-based): chr14:50,623,230, C>A. VCF-style: chr14-50623230-C-A. GRCh37 (hg19) VCF-style: chr14-51089948-C-A.
Other names: c.1101C>A, p.Tyr367Ter (NM_001127713.1, NM_181598.4); short protein forms Y367*.
Identifiers: ClinVar variation 2037429 (VCV002037429.4), dbSNP rs2504564383, ClinGen allele CA389674231.
Genomic context (GRCh38, chr14:50,623,230, plus strand): 5'-TCCAAAGGCCACAGCAGAAGCTAACAATTTAGCAGCCGTGGCAACTGCCAAGGACACATA[C>A]AACAAAAAAATGGAAGAGGTAAGAGTTAAATATTTTAAATTCTGTCTTAAACAAAACCAG-3'

ClinVar aggregate classification (germline): Pathogenic (1 of 4 stars; one submission).

Conditions:
Hereditary spastic paraplegia 3A (SPG3A). Also called: SPASTIC PARAPLEGIA 3, AUTOSOMAL DOMINANT; FAMILIAL SPASTIC PARAPLEGIA, AUTOSOMAL DOMINANT, 1; SPG3; STRUMPELL DISEASE; Spastic Paraplegia 3A; Spastic paraplegia 3A, autosomal dominant. Identifiers: Orphanet 100984, MedGen C2931355, MONDO:0008437, OMIM 182600.

Submission:

Labcorp Genetics (formerly Invitae), Labcorp
Classification: Pathogenic for Hereditary spastic paraplegia 3A. Last evaluated: 2022-07-04. Review status: criteria provided, single submitter. Criteria: Invitae Variant Classification Sherloc (09022015). Collection method: clinical testing. Allele origin: germline.
Comment: This sequence change creates a premature translational stop signal (p.Tyr367*) in the ATL1 gene. It is expected to result in an absent or disrupted protein product. Loss-of-function variants in ATL1 are known to be pathogenic (PMID: 26888483). This variant is not present in population databases (gnomAD no frequency). This variant has not been reported in the literature in individuals affected with ATL1-related conditions. For these reasons, this variant has been classified as Pathogenic.

Literature cited by the submitters: PubMed 26888483.